The following is an entry in ClinVar:

NM_001365536.1(SCN9A):c.1585T>A (p.Leu529Met)

Genes: SCN1A-AS1 (SCN1A and SCN9A antisense RNA 1; plus strand), SCN9A (sodium voltage-gated channel alpha subunit 9; minus strand). Cytogenetic location: 2q24.3.
Variant type: single nucleotide variant.
Coding change: c.1585T>A on transcript NM_001365536.1 (MANE Select); coding-DNA position 1585, T replaced by A.
Protein change: p.Leu529Met; replaces leucine 529 with methionine.
Molecular consequence: missense variant.
Genome position (GRCh38, 1-based): chr2:166,286,353, A>T on the plus strand (T>A on the coding strand, the complement: SCN9A is on the minus strand). VCF-style: chr2-166286353-A-T. GRCh37 (hg19) VCF-style: chr2-167142863-A-T.
Other names: c.1585T>A, p.Leu529Met (NM_002977.4); short protein forms L529M.
Identifiers: ClinVar variation 1416574 (VCV001416574.6), dbSNP rs1260425144, ClinGen allele CA349084227.
Genomic context (GRCh38, chr2:166,286,353, plus strand): 5'-CATTCTGCCTCGGGTGATACACATTTAGCAATTTGGGTGGTACCTGATTGGGGGTAGACA[A>T]CCTCTTTTCATGTGCTCGCCTATGCCCTTCGACACCAAGGTGGAAACTTTTTCTTCTGAT-3'
Protein context (NP_001352465.1, residues 519-539): EGHRRAHEKR[Leu529Met]STPNQSPLSI

ClinVar aggregate classification (germline): Uncertain significance (1 of 4 stars; one submission).

Conditions:
Neuropathy, hereditary sensory and autonomic, type 2A (HSAN2A). Also called: ACROOSTEOLYSIS, GIACCAI TYPE; ACROOSTEOLYSIS, NEUROGENIC; MORVAN DISEASE; NEUROPATHY, CONGENITAL SENSORY; NEUROPATHY, HEREDITARY SENSORY RADICULAR, AUTOSOMAL RECESSIVE; NEUROPATHY, HEREDITARY SENSORY, TYPE IIA. Identifiers: Orphanet 970, MedGen C2752089, MONDO:0024309, OMIM 201300.
Generalized epilepsy with febrile seizures plus, type 7 (GEFSP7). Also called: GEFS+, TYPE 7. Identifiers: Orphanet 36387, MedGen C2751778, MONDO:0013470, OMIM 613863.

gnomAD v4.1: 15 of 1,609,002 alleles (0.00093%); highest among the groups gnomAD compares: Non-Finnish European, 0.0013%; no homozygotes.

Submission:

Labcorp Genetics (formerly Invitae), Labcorp
Classification: Uncertain significance for Neuropathy, hereditary sensory and autonomic, type 2A; Generalized epilepsy with febrile seizures plus, type 7. Last evaluated: 2024-05-10. Review status: criteria provided, single submitter. Criteria: Invitae Variant Classification Sherloc (09022015). Collection method: clinical testing. Allele origin: germline.
Comment: This sequence change replaces leucine, which is neutral and non-polar, with methionine, which is neutral and non-polar, at codon 529 of the SCN9A protein (p.Leu529Met). This variant is not present in population databases (gnomAD no frequency). This variant has not been reported in the literature in individuals affected with SCN9A-related conditions. ClinVar contains an entry for this variant (Variation ID: 1416574). Algorithms developed to predict the effect of missense changes on protein structure and function output the following: SIFT: "Not Available"; PolyPhen-2: "Benign"; Align-GVGD: "Not Available". The methionine amino acid residue is found in multiple mammalian species, which suggests that this missense change does not adversely affect protein function. In summary, the available evidence is currently insufficient to determine the role of this variant in disease. Therefore, it has been classified as a Variant of Uncertain Significance.